The following is an entry in ClinVar:

ClinVar aggregate classification (germline): Benign/Likely benign. Review status: criteria provided, multiple submitters, no conflicts (2 of 4 stars). 6 submissions from 6 submitters: Benign (2); Likely benign (4). Last evaluated 2025-04-30.

Conditions:
Hereditary cancer-predisposing syndrome. Also called: Hereditary neoplastic syndrome; Tumor predisposition; Neoplastic Syndromes, Hereditary; Hereditary Cancer Syndrome. Identifiers: Orphanet 140162, MedGen C0027672, MeSH D009386, MONDO:0015356.
Tuberous sclerosis syndrome (TSC). Also called: Tuberous Sclerosis Complex; Tuberous sclerosis. Identifiers: Orphanet 805, MedGen C0041341, MONDO:0001734.
Tuberous sclerosis 2 (TSC2). Identifiers: Orphanet 805, MedGen C1860707, MONDO:0013199, OMIM 613254.

Allele frequency attached by ClinVar (database versions not stated): gnomAD exomes below 0.00001.

Submissions (6):

Myriad Genetics, Inc.
Classification: Benign for Tuberous sclerosis 2. Last evaluated: 2025-04-30. Review status: criteria provided, single submitter. Criteria: Myriad Autosomal Dominant, Autosomal Recessive and X-Linked Classification Criteria (2023). Collection method: clinical testing. Allele origin: unknown.
Comment: This variant is considered benign. This variant is a silent/synonymous amino acid change and it is not expected to impact splicing.

Labcorp Genetics (formerly Invitae), Labcorp
Classification: Likely benign for Tuberous sclerosis 2. Last evaluated: 2025-01-06. Review status: criteria provided, single submitter. Criteria: Invitae Variant Classification Sherloc (09022015). Collection method: clinical testing. Allele origin: germline.

CeGaT Center for Human Genetics Tuebingen
Classification: Likely benign. Last evaluated: 2024-06-01. Review status: criteria provided, single submitter. Criteria: CeGaT Center For Human Genetics Tuebingen Variant Classification Criteria Version 2. Collection method: clinical testing. Allele origin: germline. Affected: yes. Observed: 2 variant alleles.
Comment: TSC2: PM2:Supporting, BP4, BP7

All of Us Research Program, National Institutes of Health
Classification: Likely benign for Tuberous sclerosis syndrome. Last evaluated: 2023-09-17. Review status: criteria provided, single submitter. Criteria: ACMG Guidelines, 2015. Collection method: clinical testing. Allele origin: germline. Inheritance: Autosomal dominant inheritance. Observed: 1 variant allele, 1 heterozygote.
Comment: This study involves interpretation of variants in research participants for the purpose of population health screening. Participant phenotype was not available at the time of variant classification. Additional details can be found in publication PMID: 35346344, PMCID: PMC8962531

Genome-Nilou Lab
Classification: Benign for Tuberous sclerosis 2. Last evaluated: 2021-11-07. Review status: criteria provided, single submitter. Criteria: ACMG Guidelines, 2015. Collection method: clinical testing. Allele origin: germline. Affected: no.

Ambry Genetics
Classification: Likely benign for Hereditary cancer-predisposing syndrome. Last evaluated: 2019-07-17. Review status: criteria provided, single submitter. Criteria: Ambry Variant Classification Scheme 2023. Collection method: clinical testing. Allele origin: germline.

NM_000548.5(TSC2):c.133C>T (p.Leu45=)

Gene: TSC2 (TSC complex subunit 2; plus strand). Cytogenetic location: 16p13.3.
Variant type: single nucleotide variant.
Coding change: c.133C>T on transcript NM_000548.5 (MANE Select); coding-DNA position 133, C replaced by T.
Protein change: p.Leu45=; no amino-acid change (leucine 45 retained).
Molecular consequence: synonymous variant. On other transcripts: 5 prime UTR variant (1), intron variant (1).
Genome position (GRCh38, 1-based): chr16:2,048,748, C>T. VCF-style: chr16-2048748-C-T. GRCh37 (hg19) VCF-style: chr16-2098749-C-T.
Other names: c.133C>T, p.Leu45= (NM_001077183.3, NM_001114382.3, NM_001318827.2 and 4 more transcripts); c.-94C>T (NM_001318831.2); c.166C>T, p.Leu56= (NM_001318832.2); c.-10+683C>T (NM_001318829.2).
Identifiers: ClinVar variation 467861 (VCV000467861.35), dbSNP rs1555494707, ClinGen allele CA492954621.